The following is an entry in ClinVar:

ClinVar aggregate classification (germline): Uncertain significance (1 of 4 stars; one submission).

Conditions:
Kabuki syndrome 2 (KABUK2). Also called: KDM6A-Related Kabuki Syndrome. Identifiers: Orphanet 2322, MedGen C3275495, MONDO:0010465, OMIM 300867.

Submission:

Labcorp Genetics (formerly Invitae), Labcorp
Classification: Uncertain significance for Kabuki syndrome 2. Last evaluated: 2022-02-02. Review status: criteria provided, single submitter. Criteria: Invitae Variant Classification Sherloc (09022015). Collection method: clinical testing. Allele origin: germline.
Comment: In summary, the available evidence is currently insufficient to determine the role of this variant in disease. Therefore, it has been classified as a Variant of Uncertain Significance. Algorithms developed to predict the effect of missense changes on protein structure and function output the following: SIFT: "Tolerated"; PolyPhen-2: "Benign"; Align-GVGD: "Class C0". The serine amino acid residue is found in multiple mammalian species, which suggests that this missense change does not adversely affect protein function. This variant has not been reported in the literature in individuals affected with KDM6A-related conditions. This variant is not present in population databases (gnomAD no frequency). This sequence change replaces alanine, which is neutral and non-polar, with serine, which is neutral and polar, at codon 482 of the KDM6A protein (p.Ala482Ser).

NM_001291415.2(KDM6A):c.1600G>T (p.Ala534Ser)

Gene: KDM6A (lysine demethylase 6A; plus strand). Cytogenetic location: Xp11.3.
Variant type: single nucleotide variant.
Coding change: c.1600G>T on transcript NM_001291415.2 (MANE Select); coding-DNA position 1600, G replaced by T.
Protein change: p.Ala534Ser; replaces alanine 534 with serine.
Molecular consequence: missense variant. On other transcripts: intron variant (1).
Genome position (GRCh38, 1-based): chrX:45,062,665, G>T. VCF-style: chrX-45062665-G-T. GRCh37 (hg19) VCF-style: chrX-44921910-G-T.
Other names: c.1465G>T, p.Ala489Ser (NM_001291416.2); c.1309G>T, p.Ala437Ser (NM_001291417.2); c.556G>T, p.Ala186Ser (NM_001291421.2); c.1444G>T, p.Ala482Ser (NM_021140.4); c.1291-757G>T (NM_001291418.2); short protein forms A186S, A489S, A534S, A482S, A437S.
Identifiers: ClinVar variation 2092181 (VCV002092181.4), dbSNP rs1322780338, ClinGen allele CA412786788.